The following is an entry in ClinVar:

ClinVar aggregate classification (germline): Benign/Likely benign. Review status: criteria provided, multiple submitters, no conflicts (2 of 4 stars). 4 submissions from 4 submitters: Benign (1); Likely benign (3). Last evaluated 2025-06-30.

Conditions:
Hereditary cancer-predisposing syndrome. Also called: Neoplastic Syndromes, Hereditary; Tumor predisposition; Hereditary neoplastic syndrome; Hereditary Cancer Syndrome. Identifiers: Orphanet 140162, MedGen C0027672, MeSH D009386, MONDO:0015356.
Familial adenomatous polyposis 1 (FAP1). Also called: POLYPOSIS, ADENOMATOUS INTESTINAL; FAMILIAL ADENOMATOUS POLYPOSIS 1, ATTENUATED. Identifiers: MedGen C2713442, MONDO:0021056, OMIM 175100. Disease mechanism: loss of function.

Allele frequency attached by ClinVar (database versions not stated): gnomAD exomes below 0.00001.
gnomAD v4.1: 1 of 1,614,106 alleles (0.000062%); highest among the groups gnomAD compares: East Asian, 0.0022%; no homozygotes.

Submissions (4):

Labcorp Genetics (formerly Invitae), Labcorp
Classification: Likely benign for Familial adenomatous polyposis 1. Last evaluated: 2025-06-30. Review status: criteria provided, single submitter. Criteria: Invitae Variant Classification Sherloc (09022015). Collection method: clinical testing. Allele origin: germline.

Myriad Genetics, Inc.
Classification: Benign for Familial adenomatous polyposis 1. Last evaluated: 2024-03-28. Review status: criteria provided, single submitter. Criteria: Myriad Autosomal Dominant, Autosomal Recessive and X-Linked Classification Criteria (2023). Collection method: clinical testing. Allele origin: unknown.
Comment: This variant is considered benign. This variant is a silent/synonymous amino acid change and it is not expected to impact splicing.

Ambry Genetics
Classification: Likely benign for Hereditary cancer-predisposing syndrome. Last evaluated: 2019-12-04. Review status: criteria provided, single submitter. Criteria: Ambry Variant Classification Scheme 2023. Collection method: clinical testing. Allele origin: germline.

Color Diagnostics, LLC DBA Color Health
Classification: Likely benign for Hereditary cancer-predisposing syndrome. Last evaluated: 2019-05-17. Review status: criteria provided, single submitter. Criteria: ACMG Guidelines, 2015. Collection method: clinical testing. Allele origin: germline.

NM_000038.6(APC):c.4920G>C (p.Arg1640=)

Gene: APC (APC regulator of Wnt signaling pathway; plus strand). Cytogenetic location: 5q22.2.
Variant type: single nucleotide variant.
Coding change: c.4920G>C on transcript NM_000038.6 (MANE Select); coding-DNA position 4920, G replaced by C.
Protein change: p.Arg1640=; no amino-acid change (arginine 1640 retained).
Molecular consequence: synonymous variant.
Genome position (GRCh38, 1-based): chr5:112,840,514, G>C. VCF-style: chr5-112840514-G-C. GRCh37 (hg19) VCF-style: chr5-112176211-G-C.
Other names: c.4920G>C, p.Arg1640= (NM_001127510.3, NM_001354895.2); c.4866G>C, p.Arg1622= (NM_001127511.3); c.4974G>C, p.Arg1658= (NM_001354896.2); c.4950G>C, p.Arg1650= (NM_001354897.2); c.4845G>C, p.Arg1615= (NM_001354898.2); c.4836G>C, p.Arg1612= (NM_001354899.2); c.4797G>C, p.Arg1599= (NM_001354900.2); c.4743G>C, p.Arg1581= (NM_001354901.2); and 5 more.
Identifiers: ClinVar variation 825291 (VCV000825291.7), dbSNP rs1580654177, ClinGen allele CA446208694.
Genomic context (GRCh38, chr5:112,840,514, plus strand): 5'-ACAAAACAGGTTGCAACCCCAAAAGCATGTTAGTTTTACACCGGGGGATGATATGCCACG[G>C]GTGTATTGTGTTGAAGGGACACCTATAAACTTTTCCACAGCTACATCTCTAAGTGATCTA-3'
Protein context (NP_000029.2, residues 1630-1650): VSFTPGDDMP[Arg1640=]VYCVEGTPIN